The following is an entry in ClinVar:

ClinVar aggregate classification (germline): Likely pathogenic (1 of 4 stars; one submission).

Conditions:
Marfan syndrome (MFS). Also called: MARFAN SYNDROME, TYPE I; Marfan syndrome type 1; Marfan's syndrome; Marfan syndrome, classic; FBN1-Related Marfan Syndrome. Identifiers: Orphanet 284963, Orphanet 558, MedGen C0024796, MONDO:0007947, OMIM 154700.
Familial thoracic aortic aneurysm and aortic dissection (TAAD). Also called: Thoracic aortic aneurysms and dissections. Identifiers: Orphanet 91387, MedGen C4707243, MONDO:0019625.

Submission:

Labcorp Genetics (formerly Invitae), Labcorp
Classification: Likely pathogenic for Marfan syndrome; Familial thoracic aortic aneurysm and aortic dissection. Last evaluated: 2024-03-20. Review status: criteria provided, single submitter. Criteria: Invitae Variant Classification Sherloc (09022015). Collection method: clinical testing. Allele origin: germline.
Comment: This sequence change affects a donor splice site in intron 42 of the FBN1 gene. It is expected to disrupt RNA splicing. Variants that disrupt the donor or acceptor splice site typically lead to a loss of protein function (PMID: 16199547), and loss-of-function variants in FBN1 are known to be pathogenic (PMID: 17657824, 19293843). This variant is not present in population databases (gnomAD no frequency). This variant has not been reported in the literature in individuals affected with FBN1-related conditions. Algorithms developed to predict the effect of sequence changes on RNA splicing suggest that this variant may disrupt the consensus splice site. In summary, the currently available evidence indicates that the variant is pathogenic, but additional data are needed to prove that conclusively. Therefore, this variant has been classified as Likely Pathogenic.

Literature cited by the submitters: PubMed 16199547; PubMed 17657824; PubMed 19293843.

NM_000138.5(FBN1):c.5224+2T>A

Gene: FBN1 (fibrillin 1; minus strand). Cytogenetic location: 15q21.1.
Variant type: single nucleotide variant.
Coding change: c.5224+2T>A on transcript NM_000138.5 (MANE Select); the canonical splice donor site of the intron after coding-DNA position 5224, T replaced by A.
Molecular consequence: splice donor variant.
Genome position (GRCh38, 1-based): chr15:48,463,080, A>T on the plus strand (T>A on the coding strand, the complement: FBN1 is on the minus strand). VCF-style: chr15-48463080-A-T. GRCh37 (hg19) VCF-style: chr15-48755277-A-T.
Other names: c.5224+2T>A (NM_001406716.1).
Identifiers: ClinVar variation 3755426 (VCV003755426.2).